The following is an entry in ClinVar:

ClinVar aggregate classification (germline): Benign/Likely benign. Review status: criteria provided, multiple submitters, no conflicts (2 of 4 stars). 7 submissions from 7 submitters: Benign (2); Likely benign (4). 1 of the submissions does not count toward it. Last evaluated 2025-11-16.

Conditions:
Hereditary cancer-predisposing syndrome. Also called: Neoplastic Syndromes, Hereditary; Tumor predisposition; Hereditary Cancer Syndrome; Hereditary neoplastic syndrome. Identifiers: Orphanet 140162, MedGen C0027672, MeSH D009386, MONDO:0015356.
Tuberous sclerosis syndrome (TSC). Also called: Tuberous Sclerosis Complex; Tuberous sclerosis. Identifiers: Orphanet 805, MedGen C0041341, MONDO:0001734.
Tuberous sclerosis 2 (TSC2). Identifiers: Orphanet 805, MedGen C1860707, MONDO:0013199, OMIM 613254.

Allele frequency attached by ClinVar (database versions not stated): ExAC 0.00001; gnomAD 0.00001; gnomAD exomes 0.00001; TOPMed 0.00002.
gnomAD v4.1: 14 of 1,613,076 alleles (0.00087%); highest among the groups gnomAD compares: South Asian, 0.0022%; no homozygotes.

Submissions (7):

Labcorp Genetics (formerly Invitae), Labcorp
Classification: Likely benign for Tuberous sclerosis 2. Last evaluated: 2025-11-16. Review status: criteria provided, single submitter. Criteria: Invitae Variant Classification Sherloc (09022015). Collection method: clinical testing. Allele origin: germline.

Myriad Genetics, Inc.
Classification: Benign for Tuberous sclerosis 2. Last evaluated: 2025-05-20. Review status: criteria provided, single submitter. Criteria: Myriad Autosomal Dominant, Autosomal Recessive and X-Linked Classification Criteria (2023). Collection method: clinical testing. Allele origin: unknown.
Comment: This variant is considered benign. This variant is a silent/synonymous amino acid change and it is not expected to impact splicing.

Color Diagnostics, LLC DBA Color Health
Classification: Likely benign for Tuberous sclerosis syndrome. Last evaluated: 2022-09-27. Review status: criteria provided, single submitter. Criteria: ACMG Guidelines, 2015. Collection method: clinical testing. Allele origin: germline.

Genome-Nilou Lab
Classification: Benign for Tuberous sclerosis 2. Last evaluated: 2021-11-07. Review status: criteria provided, single submitter. Criteria: ACMG Guidelines, 2015. Collection method: clinical testing. Allele origin: germline. Affected: no.

Ambry Genetics
Classification: Likely benign for Hereditary cancer-predisposing syndrome. Last evaluated: 2021-02-03. Review status: criteria provided, single submitter. Criteria: Ambry Variant Classification Scheme 2023. Collection method: clinical testing. Allele origin: germline.

GeneDx
Classification: Likely benign. Last evaluated: 2020-11-24. Review status: criteria provided, single submitter. Criteria: GeneDx Variant Classification Process June 2021. Collection method: clinical testing. Allele origin: germline. Affected: yes.

Tuberous sclerosis database (TSC2)
No classification provided. Condition: TSC. Review status: no classification provided. Criteria: Tuberous Sclerosis Database Assertion Criteria 2015. Collection method: curation. Allele origin: germline. Affected: yes. Not counted in ClinVar's aggregate classification.

NM_000548.5(TSC2):c.2631C>T (p.Asn877=)

Gene: TSC2 (TSC complex subunit 2; plus strand). Cytogenetic location: 16p13.3.
Variant type: single nucleotide variant.
Coding change: c.2631C>T on transcript NM_000548.5 (MANE Select); coding-DNA position 2631, C replaced by T.
Protein change: p.Asn877=; no amino-acid change (asparagine 877 retained).
Molecular consequence: synonymous variant.
Genome position (GRCh38, 1-based): chr16:2,075,884, C>T. VCF-style: chr16-2075884-C-T. GRCh37 (hg19) VCF-style: chr16-2125885-C-T.
Other names: c.2631C>T, p.Asn877= (NM_001077183.3, NM_001114382.3, NM_001363528.2 and 3 more transcripts); c.2520C>T, p.Asn840= (NM_001318827.2); c.2484C>T, p.Asn828= (NM_001318829.2); c.2031C>T, p.Asn677= (NM_001318831.2); c.2664C>T, p.Asn888= (NM_001318832.2).
Identifiers: ClinVar variation 49218 (VCV000049218.19), dbSNP rs45517251, ClinGen allele CA017734.